The following is an entry in ClinVar:

NM_032590.5(KDM2B):c.3611-33T>G

Gene: KDM2B (lysine demethylase 2B; minus strand). Cytogenetic location: 12q24.31.
Variant type: single nucleotide variant.
Coding change: c.3611-33T>G on transcript NM_032590.5 (MANE Select); 33 bases into the intron before coding-DNA position 3611, T replaced by G.
Molecular consequence: intron variant.
Genome position (GRCh38, 1-based): chr12:121,440,108, A>C on the plus strand (T>G on the coding strand, the complement: KDM2B is on the minus strand). VCF-style: chr12-121440108-A-C. GRCh37 (hg19) VCF-style: chr12-121877911-A-C.
Other names: c.3434-33T>G (NM_001439029.1); c.3548-33T>G (NM_001439023.1, NM_001439022.1); c.3611-33T>G (NM_001439017.1, NM_001439018.1); c.3689-33T>G (NM_001439016.1); c.3404-33T>G (NM_001005366.2); c.3518-33T>G (NM_001439026.1, NM_001439025.1); c.3596-33T>G (NM_001439020.1); c.3707-33T>G (NM_001439015.1, NM_001439014.1); and 3 more.
Identifiers: ClinVar variation 5037115 (VCV005037115.1).

ClinVar aggregate classification (germline): Uncertain significance (1 of 4 stars; one submission).

Submission:

GeneDx
Classification: Uncertain significance. Last evaluated: 2026-04-13. Review status: criteria provided, single submitter. Criteria: GeneDx Variant Classification Process June 2021. Collection method: clinical testing. Allele origin: germline.
Comment: Not observed at significant frequency in large population cohorts (gnomAD); Has not been previously published as pathogenic or benign to our knowledge; In silico analysis suggests this variant may impact gene splicing. In the absence of RNA/functional studies, the actual effect of this sequence change is unknown.